The following is an entry in ClinVar:

ClinVar aggregate classification (germline): Uncertain significance (1 of 4 stars; one submission).

Submission:

Labcorp Genetics (formerly Invitae), Labcorp
Classification: Uncertain significance. Last evaluated: 2022-08-12. Review status: criteria provided, single submitter. Criteria: Invitae Variant Classification Sherloc (09022015). Collection method: clinical testing. Allele origin: germline.
Comment: A copy number gain of the genomic region encompassing the full coding sequence of the PYROXD1 gene has been identified. The boundaries of this event are unknown as they extend beyond the assayed region for this gene and therefore may encompass additional genes. As the precise location of this event is unknown, it may be in tandem or it may be located elsewhere in the genome. This variant has not been reported in the literature in individuals affected with PYROXD1-related conditions. In summary, the available evidence is currently insufficient to determine the role of this variant in disease. Therefore, it has been classified as a Variant of Uncertain Significance.

NC_000012.11:g.(?_21590665)_(21621688_?)dup

Gene: PYROXD1 (pyridine nucleotide-disulphide oxidoreductase domain 1; plus strand). Cytogenetic location: 12p12.1.
Variant type: Duplication.
Identifiers: ClinVar variation 2426895 (VCV002426895.3).